The following is an entry in ClinVar:

NM_001035.3(RYR2):c.12845C>T (p.Ala4282Val)

Genes: RYR2 (ryanodine receptor 2; plus strand), LOC126806068 (BRD4-independent group 4 enhancer GRCh37_chr1:237947411-237948610; plus strand). Cytogenetic location: 1q43.
Variant type: single nucleotide variant.
Coding change: c.12845C>T on transcript NM_001035.3 (MANE Select); coding-DNA position 12845, C replaced by T.
Protein change: p.Ala4282Val; replaces alanine 4282 with valine.
Molecular consequence: missense variant.
Genome position (GRCh38, 1-based): chr1:237,784,557, C>T. VCF-style: chr1-237784557-C-T. GRCh37 (hg19) VCF-style: chr1-237947857-C-T.
Other names: c.12845C>T (NM_001035.2); short protein forms A4282V.
Identifiers: ClinVar variation 2198767 (VCV002198767.7), dbSNP rs754921908, ClinGen allele CA085248.

ClinVar aggregate classification (germline): Conflicting classifications of pathogenicity. Review status: criteria provided, conflicting classifications (1 of 4 stars). 5 submissions from 5 submitters: Uncertain significance (4); Likely benign (1). Last evaluated 2026-02-18.

Conditions:
Catecholaminergic polymorphic ventricular tachycardia 1. Also called: VENTRICULAR TACHYCARDIA, CATECHOLAMINERGIC POLYMORPHIC, 1, WITH OR WITHOUT ATRIAL DYSFUNCTION AND/OR DILATED CARDIOMYOPATHY; VENTRICULAR TACHYCARDIA, STRESS-INDUCED POLYMORPHIC 1; RYR2-Related Catecholaminergic Polymorphic Ventricular Tachycardia. Identifiers: Orphanet 3286, MedGen C1631597, MONDO:0011484, OMIM 604772.
Catecholaminergic polymorphic ventricular tachycardia (CVPT). Also called: Catecholamine-induced polymorphic ventricular tachycardia. Identifiers: Orphanet 3286, MedGen C5574922, MONDO:0017990.
Cardiomyopathy (CMYO). Also called: Cardiomyopathies. Identifiers: Orphanet 167848, MedGen C0878544, MONDO:0004994, HP:0001638. Inheritance: Various modes of inheritance.
Cardiovascular phenotype. Identifiers: MedGen CN230736.

Allele frequency attached by ClinVar (database versions not stated): gnomAD exomes 0.00001; TOPMed 0.00001; ExAC 0.00002.
gnomAD v4.1: 10 of 1,613,918 alleles (0.00062%); highest among the groups gnomAD compares: South Asian, 0.0011%; no homozygotes.

Submissions (5):

Ambry Genetics
Classification: Uncertain significance for Cardiovascular phenotype. Last evaluated: 2026-02-18. Review status: criteria provided, single submitter. Criteria: Ambry Variant Classification Scheme 2023. Collection method: clinical testing. Allele origin: germline.
Comment: The p.A4282V variant (also known as c.12845C>T), located in coding exon 90 of the RYR2 gene, results from a C to T substitution at nucleotide position 12845. The alanine at codon 4282 is replaced by valine, an amino acid with similar properties. This amino acid position is well conserved in available vertebrate species. In addition, the in silico prediction for this alteration is inconclusive. Based on the available evidence, the clinical significance of this variant remains unclear.

Labcorp Genetics (formerly Invitae), Labcorp
Classification: Likely benign for Catecholaminergic polymorphic ventricular tachycardia 1. Last evaluated: 2025-10-11. Review status: criteria provided, single submitter. Criteria: Invitae Variant Classification Sherloc (09022015). Collection method: clinical testing. Allele origin: germline.

Molecular Diagnostic Laboratory for Inherited Cardiovascular Disease, Montreal Heart Institute
Classification: Uncertain significance for Cardiovascular phenotype. Last evaluated: 2025-04-09. Review status: criteria provided, single submitter. Criteria: ACMG Guidelines, 2015. Collection method: clinical testing. Allele origin: germline. Affected: yes.
Comment: PM2, PP2, BP4

Color Diagnostics, LLC DBA Color Health
Classification: Uncertain significance for Cardiomyopathy. Last evaluated: 2024-03-18. Review status: criteria provided, single submitter. Criteria: ACMG Guidelines, 2015. Collection method: clinical testing. Allele origin: germline.
Comment: This missense variant replaces alanine with valine at codon 4282 of the RYR2 protein. Computational prediction suggests that this variant may not impact protein structure and function (internally defined REVEL score threshold <= 0.5, PMID: 27666373). To our knowledge, functional studies have not been reported for this variant. This variant has not been reported in individuals affected with RYR2-related disorders in the literature. This variant has been identified in 5/248656 chromosomes in the general population by the Genome Aggregation Database (gnomAD). The available evidence is insufficient to determine the role of this variant in disease conclusively. Therefore, this variant is classified as a Variant of Uncertain Significance.

All of Us Research Program, National Institutes of Health
Classification: Uncertain significance for Catecholaminergic polymorphic ventricular tachycardia. Last evaluated: 2023-08-15. Review status: criteria provided, single submitter. Criteria: ACMG Guidelines, 2015. Collection method: clinical testing. Allele origin: germline. Inheritance: Autosomal dominant inheritance. Observed: 2 variant alleles, 2 heterozygotes.
Comment: This missense variant replaces alanine with valine at codon 4282 of the RYR2 protein. Computational prediction suggests that this variant may not impact protein structure and function (internally defined REVEL score threshold <= 0.5, PMID: 27666373). To our knowledge, functional studies have not been reported for this variant. This variant has not been reported in individuals affected with RYR2-related disorders in the literature. This variant has been identified in 5/248656 chromosomes in the general population by the Genome Aggregation Database (gnomAD). The available evidence is insufficient to determine the role of this variant in disease conclusively. Therefore, this variant is classified as a Variant of Uncertain Significance.

This study involves interpretation of variants in research participants for the purpose of population health screening. Participant phenotype was not available at the time of variant classification. Additional details can be found in publication PMID: 35346344, PMCID: PMC8962531